The following is an entry in ClinVar:

ClinVar aggregate classification (germline): Likely benign (0 of 4 stars; one submission).

Conditions:
ATP8B1-related disorder. Also called: ATP8B1-related condition; ATP8B1-related disorders.

Submission:

PreventionGenetics, part of Exact Sciences
Classification: Likely benign for ATP8B1-related condition. Last evaluated: 2021-05-04. Review status: no assertion criteria provided. Collection method: clinical testing. Allele origin: germline.
Comment: This variant is classified as likely benign based on ACMG/AMP sequence variant interpretation guidelines (Richards et al. 2015 PMID: 25741868, with internal and published modifications).

NM_001374385.1(ATP8B1):c.1927C>T (p.Leu643=)

Gene: ATP8B1 (ATPase phospholipid transporting 8B1; minus strand). Cytogenetic location: 18q21.31.
Variant type: single nucleotide variant.
Coding change: c.1927C>T on transcript NM_001374385.1 (MANE Select); coding-DNA position 1927, C replaced by T.
Protein change: p.Leu643=; no amino-acid change (leucine 643 retained).
Molecular consequence: synonymous variant.
Genome position (GRCh38, 1-based): chr18:57,671,473, G>A on the plus strand (C>T on the coding strand, the complement: ATP8B1 is on the minus strand). VCF-style: chr18-57671473-G-A. GRCh37 (hg19) VCF-style: chr18-55338705-G-A.
Other names: c.1777C>T, p.Leu593= (NM_001374386.1); c.1927C>T, p.Leu643= (NM_005603.6).
Identifiers: ClinVar variation 3029209 (VCV003029209.2), dbSNP rs2511694758, ClinGen allele CA504020932.
Genomic context (GRCh38, chr18:57,671,473, plus strand): 5'-AGCATCAGAGAGTAAGTTCAGAATCCCTTGCAGAAAGAATAAAAGTGAAACTTACATCCA[G>A]GGCATCCTGTGTTTCTTGCTTAGTAGGATTCATTCGATGTAACCGTTCATAAATAACAGT-3'
Protein context (NP_001361314.1, residues 633-653): NPTKQETQDA[Leu643=]DIFANETLRT